The following is an entry in ClinVar:

ClinVar aggregate classification (germline): Uncertain significance. Review status: criteria provided, multiple submitters, no conflicts (2 of 4 stars). 4 submissions from 4 submitters: Uncertain significance (4). Last evaluated 2026-01-05.

Conditions:
Hereditary cancer-predisposing syndrome. Also called: Neoplastic Syndromes, Hereditary; Hereditary Cancer Syndrome; Tumor predisposition; Hereditary neoplastic syndrome. Identifiers: Orphanet 140162, MedGen C0027672, MeSH D009386, MONDO:0015356.
Pheochromocytoma. Also called: MAX-Related Hereditary Paraganglioma-Pheochromocytoma Syndrome. Identifiers: Orphanet 29072, MedGen C0031511, MONDO:0008233, OMIM 171300, HP:0002666.
Familial medullary thyroid carcinoma (MTC). Also called: Thyroid cancer, familial medullary; MTC, familial; Familial Medullary Thyroid Carcinoma (FMTC). Identifiers: Orphanet 653, Orphanet 99361, MedGen C1833921, MONDO:0007958, OMIM 155240.
Multiple endocrine neoplasia type 2B. Also called: Multiple endocrine neoplasia, type 3; MULTIPLE ENDOCRINE NEOPLASIA, TYPE IIB; MUCOSAL NEUROMA SYNDROME; MEN 2B; Multiple Endocrine Neoplasia Type 2B (MEN2B); MEN IIB. Identifiers: Orphanet 247709, Orphanet 653, MedGen C0025269, MeSH D018814, MONDO:0008082, OMIM 162300.
Multiple endocrine neoplasia type 2A. Also called: MULTIPLE ENDOCRINE NEOPLASIA, TYPE IIA; PTC SYNDROME; SIPPLE SYNDROME; MEN 2A; MEN-2A syndrome; Pheochromocytoma and amyloid producing medullary thyroid carcinoma. Identifiers: Orphanet 247698, Orphanet 653, MedGen C0025268, MeSH D018813, MONDO:0008234, OMIM 171400.
Hirschsprung disease, susceptibility to, 1 (HSCR1). Also called: RET-Related Hirschsprung Disease. Identifiers: Orphanet 388, MedGen C3888239, MONDO:0007723, OMIM 142623.
Multiple endocrine neoplasia, type 2 (MEN2). Identifiers: Orphanet 653, MedGen C4048306, MONDO:0019003. Disease mechanism: gain of function.

Allele frequency attached by ClinVar (database versions not stated): gnomAD exomes below 0.00001; ExAC 0.00001; gnomAD 0.00001; TOPMed 0.00002; ESP Exome Variant Server 0.00008.
gnomAD v4.1: 2 of 1,614,114 alleles (0.00012%); highest among the groups gnomAD compares: African/African-American, 0.0013%; no homozygotes.

Submissions (4):

Labcorp Genetics (formerly Invitae), Labcorp
Classification: Uncertain significance for Multiple endocrine neoplasia, type 2. Last evaluated: 2026-01-05. Review status: criteria provided, single submitter. Criteria: Invitae Variant Classification Sherloc (09022015). Collection method: clinical testing. Allele origin: germline.
Comment: This sequence change replaces lysine, which is basic and polar, with glutamic acid, which is acidic and polar, at codon 728 of the RET protein (p.Lys728Glu). This variant is present in population databases (rs147216744, gnomAD no frequency). This variant has not been reported in the literature in individuals affected with RET-related conditions. ClinVar contains an entry for this variant (Variation ID: 570574). An algorithm developed to predict the effect of missense changes on protein structure and function (PolyPhen-2) suggests that this variant is likely to be disruptive. In summary, the available evidence is currently insufficient to determine the role of this variant in disease. Therefore, it has been classified as a Variant of Uncertain Significance.

Ambry Genetics
Classification: Uncertain significance for Hereditary cancer-predisposing syndrome. Last evaluated: 2024-03-19. Review status: criteria provided, single submitter. Criteria: Ambry Variant Classification Scheme 2023. Collection method: clinical testing. Allele origin: germline.
Comment: The p.K728E variant (also known as c.2182A>G), located in coding exon 12 of the RET gene, results from an A to G substitution at nucleotide position 2182. The lysine at codon 728 is replaced by glutamic acid, an amino acid with similar properties. This amino acid position is highly conserved in available vertebrate species. In addition, this alteration is predicted to be deleterious by in silico analysis. Since supporting evidence is limited at this time, the clinical significance of this alteration remains unclear.

All of Us Research Program, National Institutes of Health
Classification: Uncertain significance for Multiple endocrine neoplasia, type 2. Last evaluated: 2023-10-02. Review status: criteria provided, single submitter. Criteria: ACMG Guidelines, 2015. Collection method: clinical testing. Allele origin: germline. Inheritance: Autosomal dominant inheritance. Observed: 1 variant allele, 1 heterozygote.
Comment: This missense variant replaces lysine with glutamic acid at codon 728 of the RET protein. Computational prediction suggests that this variant may have deleterious impact on protein structure and function (internally defined REVEL score threshold >= 0.7, PMID: 27666373). To our knowledge, functional studies have not been reported for this variant. This variant has not been reported in individuals affected with hereditary cancer in the literature. This variant has been identified in 1/251482 chromosomes in the general population by the Genome Aggregation Database (gnomAD). The available evidence is insufficient to determine the role of this variant in disease conclusively. Therefore, this variant is classified as a Variant of Uncertain Significance.

This study involves interpretation of variants in research participants for the purpose of population health screening. Participant phenotype was not available at the time of variant classification. Additional details can be found in publication PMID: 35346344, PMCID: PMC8962531

Fulgent Genetics
Classification: Uncertain significance for Hirschsprung disease, susceptibility to, 1; Familial medullary thyroid carcinoma; Multiple endocrine neoplasia type 2B; Pheochromocytoma; Multiple endocrine neoplasia type 2A. Last evaluated: 2022-01-10. Review status: criteria provided, single submitter. Criteria: ACMG Guidelines, 2015. Collection method: clinical testing. Allele origin: unknown.

NM_020975.6(RET):c.2182A>G (p.Lys728Glu)

Gene: RET (ret proto-oncogene; plus strand). Cytogenetic location: 10q11.21.
Variant type: single nucleotide variant.
Coding change: c.2182A>G on transcript NM_020975.6 (MANE Select); coding-DNA position 2182, A replaced by G.
Protein change: p.Lys728Glu; replaces lysine 728 with glutamic acid.
Molecular consequence: missense variant.
Genome position (GRCh38, 1-based): chr10:43,116,629, A>G. VCF-style: chr10-43116629-A-G. GRCh37 (hg19) VCF-style: chr10-43612077-A-G.
Other names: c.1285A>G, p.Lys429Glu (NM_001406781.1, NM_001406782.1, NM_001406779.1 and 1 more transcripts); c.1156A>G, p.Lys386Glu (NM_001406783.1, NM_001406786.1); c.1192A>G, p.Lys398Glu (NM_001406784.1); c.1165A>G, p.Lys389Glu (NM_001406785.1); c.1150A>G, p.Lys384Glu (NM_001406787.1); c.997A>G, p.Lys333Glu (NM_001406788.1, NM_001406789.1, NM_001406790.1); c.2182A>G, p.Lys728Glu (NM_000323.2, NM_001406743.1, NM_001406744.1 and 4 more transcripts); c.1420A>G, p.Lys474Glu (NM_001355216.2); and 10 more; short protein forms K728E, K474E, K245E, K389E, K553E, K333E, K632E, K293E.
Identifiers: ClinVar variation 570574 (VCV000570574.16), dbSNP rs147216744, ClinGen allele CA037718.